The following is an entry in ClinVar:

NM_004425.4(ECM1):c.607_613dup (p.Arg205fs)

Gene: ECM1 (extracellular matrix protein 1; plus strand). Cytogenetic location: 1q21.2.
Variant type: Duplication.
Coding change: c.607_613dup on transcript NM_004425.4 (MANE Select); coding-DNA positions 607 to 613, 7 bases duplicated (CTCACTC; older notation c.607_613dupCTCACTC).
Protein change: p.Arg205fs; shifts the reading frame from arginine 205.
Molecular consequence: frameshift variant.
Genome position (GRCh38, 1-based): chr1:150,511,097-150,511,103, CTCACTC duplicated; duplicating any 7 consecutive bases within chr1:150,511,096-150,511,103 gives the same sequence; the c. name uses the placement nearest the transcript's 3' end. VCF-style (leftmost placement, unchanged base first): chr1-150511095-A-ACCTCACT. GRCh37 (hg19) VCF-style: chr1-150483571-A-ACCTCACT.
Other names: c.688_694dup, p.Arg232fs (NM_001202858.2); c.607_613dup, p.Arg205fs (NM_022664.3); short protein forms R205fs, R232fs.
Identifiers: ClinVar variation 4535111 (VCV004535111.6).

ClinVar aggregate classification (germline): Pathogenic (1 of 4 stars; one submission).

Submission:

CeGaT Center for Human Genetics Tuebingen
Classification: Pathogenic. Last evaluated: 2025-11-01. Review status: criteria provided, single submitter. Criteria: CeGaT Center For Human Genetics Tuebingen Variant Classification Criteria Version 2. Collection method: clinical testing. Allele origin: germline. Affected: yes. Observed: 1 variant allele.
Comment: ECM1: PVS1, PM2